The following is an entry in ClinVar:

ClinVar aggregate classification (germline): Uncertain significance. Review status: criteria provided, multiple submitters, no conflicts (2 of 4 stars). 2 submissions from 2 submitters: Uncertain significance (2). Last evaluated 2026-01-26.

Conditions:
GUCY2C-related disorder. Also called: GUCY2C-related condition.

Allele frequency attached by ClinVar (database versions not stated): gnomAD exomes below 0.00001.
gnomAD v4.1: 2 of 1,608,300 alleles (0.00012%); highest among the groups gnomAD compares: Admixed American, 0.0033%; no homozygotes.

Submissions (2):

Labcorp Genetics (formerly Invitae), Labcorp
Classification: Uncertain significance. Last evaluated: 2026-01-26. Review status: criteria provided, single submitter. Criteria: Invitae Variant Classification Sherloc (09022015). Collection method: clinical testing. Allele origin: germline.
Comment: This sequence change replaces phenylalanine, which is neutral and non-polar, with leucine, which is neutral and non-polar, at codon 547 of the GUCY2C protein (p.Phe547Leu). This variant is present in population databases (no rsID available, gnomAD 0.006%). This variant has not been reported in the literature in individuals affected with GUCY2C-related conditions. ClinVar contains an entry for this variant (Variation ID: 2633164). Invitae Evidence Modeling of protein sequence and biophysical properties (such as structural, functional, and spatial information, amino acid conservation, physicochemical variation, residue mobility, and thermodynamic stability) has been performed for this missense variant. However, the output from this modeling did not meet the statistical confidence thresholds required to predict the impact of this variant on GUCY2C protein function. In summary, the available evidence is currently insufficient to determine the role of this variant in disease. Therefore, it has been classified as a Variant of Uncertain Significance.

PreventionGenetics, part of Exact Sciences
Classification: Uncertain significance for GUCY2C-related condition. Last evaluated: 2025-12-03. Review status: criteria provided, single submitter. Criteria: ACMG Guidelines, 2015. Collection method: clinical testing. Allele origin: germline.
Comment: The GUCY2C c.1641C>A variant is predicted to result in the amino acid substitution p.Phe547Leu. To our knowledge, this variant has not been reported in the literature. This variant is reported in 0.0058% of alleles in individuals of Latino descent in gnomAD. At this time, the clinical significance of this variant is uncertain due to the absence of conclusive functional and genetic evidence.

NM_004963.4(GUCY2C):c.1641C>A (p.Phe547Leu)

Gene: GUCY2C (guanylate cyclase 2C; minus strand). Cytogenetic location: 12p12.3.
Variant type: single nucleotide variant.
Coding change: c.1641C>A on transcript NM_004963.4 (MANE Select); coding-DNA position 1641, C replaced by A.
Protein change: p.Phe547Leu; replaces phenylalanine 547 with leucine.
Molecular consequence: missense variant.
Genome position (GRCh38, 1-based): chr12:14,651,476, G>T on the plus strand (C>A on the coding strand, the complement: GUCY2C is on the minus strand). VCF-style: chr12-14651476-G-T. GRCh37 (hg19) VCF-style: chr12-14804410-G-T.
Other names: short protein forms F547L.
Identifiers: ClinVar variation 2633164 (VCV002633164.3), dbSNP rs1259295376, ClinGen allele CA383988605.
Genomic context (GRCh38, chr12:14,651,476, plus strand): 5'-TCCTCTCTCACAGTATTCTATCACCCCGAAGATCATGGTATCAAGTTTCACTGTGCCGTA[G>T]AACTTGGTCAGGTTGTAATAGTCAATCTGAAGCAACTAGAAGAACGTGTTTGTTTACAAA-3'
Protein context (NP_004954.2, residues 537-557): LQIDYYNLTK[Phe547Leu]YGTVKLDTMI